The following is an entry in ClinVar:

ClinVar aggregate classification (germline): Uncertain significance. Review status: criteria provided, multiple submitters, no conflicts (2 of 4 stars). 7 submissions from 7 submitters: Uncertain significance (7). Last evaluated 2026-02-01.

Conditions:
Cardiovascular phenotype. Identifiers: MedGen CN230736.
Catecholaminergic polymorphic ventricular tachycardia (CVPT). Also called: Catecholamine-induced polymorphic ventricular tachycardia. Identifiers: Orphanet 3286, MedGen C5574922, MONDO:0017990.
Cardiomyopathy (CMYO). Also called: Cardiomyopathies. Identifiers: Orphanet 167848, MedGen C0878544, MONDO:0004994, HP:0001638. Inheritance: Various modes of inheritance.
Catecholaminergic polymorphic ventricular tachycardia 1. Also called: VENTRICULAR TACHYCARDIA, CATECHOLAMINERGIC POLYMORPHIC, 1, WITH OR WITHOUT ATRIAL DYSFUNCTION AND/OR DILATED CARDIOMYOPATHY; VENTRICULAR TACHYCARDIA, STRESS-INDUCED POLYMORPHIC 1; RYR2-Related Catecholaminergic Polymorphic Ventricular Tachycardia. Identifiers: Orphanet 3286, MedGen C1631597, MONDO:0011484, OMIM 604772.

Allele frequency attached by ClinVar (database versions not stated): gnomAD exomes below 0.00001; gnomAD 0.00001 and 0.00002; TOPMed 0.00001.
gnomAD v4.1: 4 of 1,613,668 alleles (0.00025%); highest among the groups gnomAD compares: Non-Finnish European, 0.00034%; no homozygotes.

Submissions (7):

Labcorp Genetics (formerly Invitae), Labcorp
Classification: Uncertain significance for Catecholaminergic polymorphic ventricular tachycardia 1. Last evaluated: 2026-02-01. Review status: criteria provided, single submitter. Criteria: Invitae Variant Classification Sherloc (09022015). Collection method: clinical testing. Allele origin: germline.
Comment: This sequence change replaces aspartic acid, which is acidic and polar, with glutamic acid, which is acidic and polar, at codon 1340 of the RYR2 protein (p.Asp1340Glu). This variant is not present in population databases (gnomAD no frequency). This variant has not been reported in the literature in individuals affected with RYR2-related conditions. ClinVar contains an entry for this variant (Variation ID: 463598). Invitae Evidence Modeling of protein sequence and biophysical properties (such as structural, functional, and spatial information, amino acid conservation, physicochemical variation, residue mobility, and thermodynamic stability) indicates that this missense variant is not expected to disrupt RYR2 protein function with a negative predictive value of 95%. In summary, the available evidence is currently insufficient to determine the role of this variant in disease. Therefore, it has been classified as a Variant of Uncertain Significance.

Color Diagnostics, LLC DBA Color Health
Classification: Uncertain significance for Cardiomyopathy. Last evaluated: 2024-12-23. Review status: criteria provided, single submitter. Criteria: ACMG Guidelines, 2015. Collection method: clinical testing. Allele origin: germline.
Comment: This missense variant replaces aspartic acid with glutamic acid at codon 1340 of the RYR2 protein. Computational prediction suggests that this variant may not impact protein structure and function. To our knowledge, functional studies have not been reported for this variant. This variant has not been reported in individuals affected with RYR2-related disorders in the literature. This variant has been identified in 1/248920 chromosomes in the general population by the Genome Aggregation Database (gnomAD). The available evidence is insufficient to determine the role of this variant in disease conclusively. Therefore, this variant is classified as a Variant of Uncertain Significance.

Revvity Omics, Revvity
Classification: Uncertain significance. Last evaluated: 2024-06-14. Review status: criteria provided, single submitter. Criteria: ACMG Guidelines, 2015. Collection method: clinical testing. Allele origin: germline.

Blueprint Genetics
Classification: Uncertain significance. Last evaluated: 2024-03-01. Review status: criteria provided, single submitter. Criteria: ACMG Guidelines, 2015. Collection method: clinical testing. Allele origin: germline.

All of Us Research Program, National Institutes of Health
Classification: Uncertain significance for Catecholaminergic polymorphic ventricular tachycardia. Last evaluated: 2023-12-18. Review status: criteria provided, single submitter. Criteria: ACMG Guidelines, 2015. Collection method: clinical testing. Allele origin: germline. Inheritance: Autosomal dominant inheritance. Observed: 6 variant alleles, 6 heterozygotes.
Comment: This missense variant replaces aspartic acid with glutamic acid at codon 1340 of the RYR2 protein. Computational prediction suggests that this variant may not impact protein structure and function (internally defined REVEL score threshold <= 0.5, PMID: 27666373). To our knowledge, functional studies have not been reported for this variant. This variant has not been reported in individuals affected with RYR2-related disorders in the literature. This variant has been identified in 1/248920 chromosomes in the general population by the Genome Aggregation Database (gnomAD). The available evidence is insufficient to determine the role of this variant in disease conclusively. Therefore, this variant is classified as a Variant of Uncertain Significance.

This study involves interpretation of variants in research participants for the purpose of population health screening. Participant phenotype was not available at the time of variant classification. Additional details can be found in publication PMID: 35346344, PMCID: PMC8962531

Ambry Genetics
Classification: Uncertain significance for Cardiovascular phenotype. Last evaluated: 2022-05-11. Review status: criteria provided, single submitter. Criteria: Ambry Variant Classification Scheme 2023. Collection method: clinical testing. Allele origin: germline.
Comment: The p.D1340E variant (also known as c.4020T>A), located in coding exon 31 of the RYR2 gene, results from a T to A substitution at nucleotide position 4020. The aspartic acid at codon 1340 is replaced by glutamic acid, an amino acid with highly similar properties. This amino acid position is well conserved in available vertebrate species. In addition, this alteration is predicted to be tolerated by in silico analysis. Since supporting evidence is limited at this time, the clinical significance of this alteration remains unclear.

GeneDx
Classification: Uncertain significance. Last evaluated: 2019-05-13. Review status: criteria provided, single submitter. Criteria: GeneDx Variant Classification Process June 2021. Collection method: clinical testing. Allele origin: germline. Affected: yes.
Comment: Has not been previously published as pathogenic or benign to our knowledge; Reported in ClinVar as a variant of uncertain significance but additional evidence is not available (ClinVar Variant ID# 463598; Landrum et al., 2016); Not observed in large population cohorts (Lek et al., 2016); Is not located in one of the three hot-spot regions of the RYR2 gene, where the majority of pathogenic missense variants occur (Medeiros-Domingo et al., 2009); In silico analysis, which includes protein predictors and evolutionary conservation, supports that this variant does not alter protein structure/function

NM_001035.3(RYR2):c.4020T>A (p.Asp1340Glu)

Genes: RYR2 (ryanodine receptor 2; plus strand), LOC126806067 (BRD4-independent group 4 enhancer GRCh37_chr1:237753258-237754457; plus strand). Cytogenetic location: 1q43.
Variant type: single nucleotide variant.
Coding change: c.4020T>A on transcript NM_001035.3 (MANE Select); coding-DNA position 4020, T replaced by A.
Protein change: p.Asp1340Glu; replaces aspartic acid 1340 with glutamic acid.
Molecular consequence: missense variant.
Genome position (GRCh38, 1-based): chr1:237,590,852, T>A. VCF-style: chr1-237590852-T-A. GRCh37 (hg19) VCF-style: chr1-237754152-T-A.
Other names: c.4020T>A, p.Asp1340Glu (LRG_402t1); short protein forms D1340E.
Identifiers: ClinVar variation 463598 (VCV000463598.16), dbSNP rs1040456396, ClinGen allele CA39803140.